The following is an entry in ClinVar:

NM_001127208.3(TET2):c.3035C>A (p.Pro1012Gln)

Genes: TET2 (tet methylcytosine dioxygenase 2; plus strand), TET2-AS1 (TET2 antisense RNA 1; minus strand). Cytogenetic location: 4q24.
Variant type: single nucleotide variant.
Coding change: c.3035C>A on transcript NM_001127208.3 (MANE Select); coding-DNA position 3035, C replaced by A.
Protein change: p.Pro1012Gln; replaces proline 1012 with glutamine.
Molecular consequence: missense variant.
Genome position (GRCh38, 1-based): chr4:105,236,977, C>A. VCF-style: chr4-105236977-C-A. GRCh37 (hg19) VCF-style: chr4-106158134-C-A.
Other names: c.3035C>A, p.Pro1012Gln (NM_017628.4); short protein forms P1012Q.
Identifiers: ClinVar variation 3806085 (VCV003806085.1).
Genomic context (GRCh38, chr4:105,236,977, plus strand): 5'-GTATGCACACAGCACCACCAGAAAACAAAACATGGAAAAAGGTAACTAAGCAAGAGAATC[C>A]ACCTGCAAGCTGTGATAATGTGCAGCAAAAGAGCATCATTGAGACCATGGAGCAGCATCT-3'
Protein context (NP_001120680.1, residues 1002-1022): TWKKVTKQEN[Pro1012Gln]PASCDNVQQK

ClinVar aggregate classification (germline): Uncertain significance (1 of 4 stars; one submission).

gnomAD v4.1: 1 of 1,614,088 alleles (0.000062%); highest among the groups gnomAD compares: Non-Finnish European, 0.000085%; no homozygotes.

Submission:

Ambry Genetics
Classification: Uncertain significance. Last evaluated: 2025-02-23. Review status: criteria provided, single submitter. Criteria: Ambry Variant Classification Scheme 2023. Collection method: clinical testing. Allele origin: germline.
Comment: The p.P1012Q variant (also known as c.3035C>A), located in coding exon 1 of the TET2 gene, results from a C to A substitution at nucleotide position 3035. The proline at codon 1012 is replaced by glutamine, an amino acid with similar properties. This amino acid position is conserved. In addition, this alteration is predicted to be tolerated by in silico analysis. Based on the available evidence, the clinical significance of this variant remains unclear.